The following is an entry in ClinVar:

ClinVar aggregate classification (germline): Likely benign (1 of 4 stars; one submission).

Allele frequency attached by ClinVar (database versions not stated): ExAC 0.00004; ESP Exome Variant Server 0.00008.
gnomAD v4.1: 13 of 1,608,298 alleles (0.00081%); highest among the groups gnomAD compares: Middle Eastern, 0.016%; no homozygotes.

Submission:

CeGaT Center for Human Genetics Tuebingen
Classification: Likely benign. Last evaluated: 2023-01-01. Review status: criteria provided, single submitter. Criteria: CeGaT Center For Human Genetics Tuebingen Variant Classification Criteria Version 2. Collection method: clinical testing. Allele origin: germline. Affected: yes. Observed: 1 variant allele.
Comment: CDH15: BP4, BP7

NM_004933.3(CDH15):c.2226C>T (p.Asp742=)

Gene: CDH15 (cadherin 15; plus strand). Cytogenetic location: 16q24.3.
Variant type: single nucleotide variant.
Coding change: c.2226C>T on transcript NM_004933.3 (MANE Select); coding-DNA position 2226, C replaced by T.
Protein change: p.Asp742=; no amino-acid change (aspartic acid 742 retained).
Molecular consequence: synonymous variant.
Genome position (GRCh38, 1-based): chr16:89,194,936, C>T. VCF-style: chr16-89194936-C-T. GRCh37 (hg19) VCF-style: chr16-89261344-C-T.
Identifiers: ClinVar variation 2647046 (VCV002647046.24), dbSNP rs370556933, ClinGen allele CA8239613.
Genomic context (GRCh38, chr16:89,194,936, plus strand): 5'-AGATAGTGACCCCAGTGTGCCGCCTTACGACACAGCCCTCATCTATGACTACGAGGGTGA[C>T]GGCTCGGTGGCGGGGACGCTGAGCTCCATCCTGTCCAGCCAGGGCGATGAGGACCAGGAC-3'
Protein context (NP_004924.1, residues 732-752): DTALIYDYEG[Asp742=]GSVAGTLSSI